The following is an entry in ClinVar:

NM_032444.4(SLX4):c.3700G>T (p.Ala1234Ser)

Gene: SLX4 (SLX4 structure-specific endonuclease subunit; minus strand). Cytogenetic location: 16p13.3.
Variant type: single nucleotide variant.
Coding change: c.3700G>T on transcript NM_032444.4 (MANE Select); coding-DNA position 3700, G replaced by T.
Protein change: p.Ala1234Ser; replaces alanine 1234 with serine.
Molecular consequence: missense variant.
Genome position (GRCh38, 1-based): chr16:3,589,938, C>A on the plus strand (G>T on the coding strand, the complement: SLX4 is on the minus strand). VCF-style: chr16-3589938-C-A. GRCh37 (hg19) VCF-style: chr16-3639939-C-A.
Other names: c.3700G>T (LRG_503t1); short protein forms A1234S.
Identifiers: ClinVar variation 526335 (VCV000526335.8), dbSNP rs1555450127, ClinGen allele CA394519584.

ClinVar aggregate classification (germline): Uncertain significance (1 of 4 stars; one submission).

Conditions:
Fanconi anemia (FA). Also called: Fanconi's anemia. Identifiers: Orphanet 84, MedGen C0015625, MeSH D005199, MONDO:0019391.

Submission:

Labcorp Genetics (formerly Invitae), Labcorp
Classification: Uncertain significance for Fanconi anemia. Last evaluated: 2017-12-09. Review status: criteria provided, single submitter. Criteria: Invitae Variant Classification Sherloc (09022015). Collection method: clinical testing. Allele origin: germline.
Comment: In summary, the available evidence is currently insufficient to determine the role of this variant in disease. Therefore, it has been classified as a Variant of Uncertain Significance. Algorithms developed to predict the effect of missense changes on protein structure and function output the following: SIFT: "Tolerated"; PolyPhen-2: "Benign"; Align-GVGD: "Class C0". The serine amino acid residue is found in multiple mammalian species, suggesting that this missense change does not adversely affect protein function. These predictions have not been confirmed by published functional studies and their clinical significance is uncertain. This variant has not been reported in the literature in individuals with SLX4-related disease. This variant is not present in population databases (ExAC no frequency). This sequence change replaces alanine with serine at codon 1234 of the SLX4 protein (p.Ala1234Ser). The alanine residue is weakly conserved and there is a moderate physicochemical difference between alanine and serine.